The following is an entry in ClinVar:

ClinVar aggregate classification (germline): Likely benign. Review status: criteria provided, multiple submitters, no conflicts (2 of 4 stars). 2 submissions from 2 submitters: Likely benign (2). Last evaluated 2025-02-27.

Conditions:
RP1L1-related disorder. Also called: RP1L1-related condition.

gnomAD v4.1: 29 of 1,614,184 alleles (0.0018%); highest among the groups gnomAD compares: Middle Eastern, 0.016%; no homozygotes.

Submissions (2):

PreventionGenetics, part of Exact Sciences
Classification: Likely benign for RP1L1-related condition. Last evaluated: 2025-02-27. Review status: criteria provided, single submitter. Criteria: ACMG Guidelines, 2015. Collection method: clinical testing. Allele origin: germline.
Comment: This variant is classified as likely benign based on ACMG/AMP sequence variant interpretation guidelines (Richards et al. 2015 PMID: 25741868, with internal and published modifications).

Blueprint Genetics
Classification: Likely benign. Last evaluated: 2022-02-25. Review status: criteria provided, single submitter. Criteria: ACMG Guidelines, 2015. Collection method: clinical testing. Allele origin: germline.

NM_178857.6(RP1L1):c.3789C>T (p.Asn1263=)

Gene: RP1L1 (RP1 like 1). Cytogenetic location: 8p23.1.
Variant type: single nucleotide variant.
Coding change: c.3789C>T on transcript NM_178857.6 (MANE Select); coding-DNA position 3789, C replaced by T.
Protein change: p.Asn1263=; no amino-acid change (asparagine 1263 retained).
Molecular consequence: synonymous variant.
Genome position (GRCh38, 1-based): chr8:10,610,309, G>A on the plus strand (C>T on the coding strand, the complement: RP1L1 is on the minus strand). VCF-style: chr8-10610309-G-A. GRCh37 (hg19) VCF-style: chr8-10467819-G-A.
Other names: c.3789C>T (NM_178857.5).
Identifiers: ClinVar variation 4899170 (VCV004899170.2).